The following is an entry in ClinVar:

NM_001039591.3(USP9X):c.1240G>C (p.Glu414Gln)

Gene: USP9X (ubiquitin specific peptidase 9 X-linked; plus strand). Cytogenetic location: Xp11.4.
Variant type: single nucleotide variant.
Coding change: c.1240G>C on transcript NM_001039591.3 (MANE Select); coding-DNA position 1240, G replaced by C.
Protein change: p.Glu414Gln; replaces glutamic acid 414 with glutamine.
Molecular consequence: missense variant.
Genome position (GRCh38, 1-based): chrX:41,143,369, G>C. VCF-style: chrX-41143369-G-C. GRCh37 (hg19) VCF-style: chrX-41002622-G-C.
Other names: c.1240G>C, p.Glu414Gln (NM_001039590.3, NM_001410748.1, NM_001410749.1 and 1 more transcripts); short protein forms E414Q.
Identifiers: ClinVar variation 4795324 (VCV004795324.1).

ClinVar aggregate classification (germline): Uncertain significance (1 of 4 stars; one submission).

Submission:

GeneDx
Classification: Uncertain significance. Last evaluated: 2025-08-14. Review status: criteria provided, single submitter. Criteria: GeneDx Variant Classification Process June 2021. Collection method: clinical testing. Allele origin: germline. Affected: yes.
Comment: Not observed at significant frequency in large population cohorts (gnomAD); In silico analysis supports that this missense variant has a deleterious effect on protein structure/function; Has not been previously published as pathogenic or benign to our knowledge